The following is an entry in ClinVar:

ClinVar aggregate classification (germline): Uncertain significance (1 of 4 stars; one submission).

Conditions:
Gastrointestinal stromal tumor. Also called: Gastrointestinal stromal tumor, somatic; Gastrointestinal stroma tumor. Identifiers: Orphanet 44890, MedGen C0238198, MeSH D046152, MONDO:0011719, OMIM 606764, HP:0100723.
Pheochromocytoma/paraganglioma syndrome 3. Also called: GLOMUS TUMORS, FAMILIAL, 3; Paragangliomas 3; SDHC-Related Hereditary Paraganglioma-Pheochromocytoma Syndrome (Paragangliomas 3); SDHC-Related Hereditary Paraganglioma-Pheochromocytoma Syndrome. Identifiers: Orphanet 29072, MedGen C1854336, MONDO:0011544, OMIM 605373.

gnomAD v4.1: 1 of 1,613,122 alleles (0.000062%); highest among the groups gnomAD compares: Non-Finnish European, 0.000085%; no homozygotes.

Submission:

Labcorp Genetics (formerly Invitae), Labcorp
Classification: Uncertain significance for Pheochromocytoma/paraganglioma syndrome 3; Gastrointestinal stromal tumor. Last evaluated: 2025-02-13. Review status: criteria provided, single submitter. Criteria: Invitae Variant Classification Sherloc (09022015). Collection method: clinical testing. Allele origin: germline.
Comment: This sequence change falls in intron 4 of the SDHC gene. It does not directly change the encoded amino acid sequence of the SDHC protein. It affects a nucleotide within the consensus splice site. This variant is not present in population databases (gnomAD no frequency). This variant has not been reported in the literature in individuals affected with SDHC-related conditions. ClinVar contains an entry for this variant (Variation ID: 2934577). Variants that disrupt the consensus splice site are a relatively common cause of aberrant splicing (PMID: 17576681, 9536098). Algorithms developed to predict the effect of sequence changes on RNA splicing suggest that this variant is not likely to affect RNA splicing. In summary, the available evidence is currently insufficient to determine the role of this variant in disease. Therefore, it has been classified as a Variant of Uncertain Significance.

Literature cited by the submitters: PubMed 17576681; PubMed 9536098.

NM_003001.5(SDHC):c.241+4T>C

Gene: SDHC (succinate dehydrogenase complex subunit C; plus strand). Cytogenetic location: 1q23.3.
Variant type: single nucleotide variant.
Coding change: c.241+4T>C on transcript NM_003001.5 (MANE Select); 4 bases into the intron after coding-DNA position 241, T replaced by C.
Molecular consequence: intron variant.
Genome position (GRCh38, 1-based): chr1:161,340,659, T>C. VCF-style: chr1-161340659-T-C. GRCh37 (hg19) VCF-style: chr1-161310449-T-C.
Other names: c.130+4T>C (NM_001407119.1, NM_001407120.1); c.361+4T>C (NM_001407115.1); c.241+4T>C (NM_001035511.3); c.139+4T>C (NM_001035512.3, NM_001278172.3); c.133+10T>C (NM_001407118.1); c.184+4T>C (NM_001407116.1, NM_001407121.1); c.178+10T>C (NM_001407117.1); c.82+4T>C (NM_001035513.3).
Identifiers: ClinVar variation 2934577 (VCV002934577.3), dbSNP rs1424945597, ClinGen allele CA2648776184.
Genomic context (GRCh38, chr1:161,340,659, plus strand): 5'-CTCTTCCCATGGCGATGTCCATCTGCCACCGTGGCACTGGTATTGCTTTGAGTGCAGGTA[T>C]GTATATGTGTTTTTACACACACATATGTGCTTCTTTGAAAAACTTGGCTGTTTCATTGGC-3'